The following is an entry in ClinVar:

Conditions:
Long QT syndrome 5 (LQT5). Identifiers: Orphanet 101016, Orphanet 768, MedGen C1867904, MONDO:0013372, OMIM 613695.

Submission:

Roden Lab, Vanderbilt University Medical Center
No classification provided (evidence only). Condition: Long QT syndrome 5. Review status: no classification provided. Collection method: in vitro. Allele origin: not applicable. Functional consequence: Effect on ion channel function.
ClinVar note: "not provided" was previously submitted as the classification for the variant. However, the classification appeared to be based only on an observation of functional data so it was converted to no classification on 2025-07-30.

NM_000219.6(KCNE1):c.160T>A (p.Phe54Ile)

Gene: KCNE1 (potassium voltage-gated channel subfamily E regulatory subunit 1; minus strand). Cytogenetic location: 21q22.12.
Variant type: single nucleotide variant.
Coding change: c.160T>A on transcript NM_000219.6 (MANE Select); coding-DNA position 160, T replaced by A.
Protein change: p.Phe54Ile; replaces phenylalanine 54 with isoleucine.
Molecular consequence: missense variant.
Genome position (GRCh38, 1-based): chr21:34,449,475, A>T on the plus strand (T>A on the coding strand, the complement: KCNE1 is on the minus strand). VCF-style: chr21-34449475-A-T. GRCh37 (hg19) VCF-style: chr21-35821773-A-T.
Other names: c.160T>A, p.Phe54Ile (NM_001127668.4, NM_001127669.4, NM_001127670.4 and 4 more transcripts); short protein forms F54I.
Identifiers: ClinVar variation 3374203 (VCV003374203.2).